The following is an entry in ClinVar:

NM_000359.3(TGM1):c.429C>T (p.Arg143=)

Gene: TGM1 (transglutaminase 1; minus strand). Cytogenetic location: 14q12.
Variant type: single nucleotide variant.
Coding change: c.429C>T on transcript NM_000359.3 (MANE Select); coding-DNA position 429, C replaced by T.
Protein change: p.Arg143=; no amino-acid change (arginine 143 retained).
Molecular consequence: synonymous variant.
Genome position (GRCh38, 1-based): chr14:24,261,774, G>A on the plus strand (C>T on the coding strand, the complement: TGM1 is on the minus strand). VCF-style: chr14-24261774-G-A. GRCh37 (hg19) VCF-style: chr14-24730980-G-A.
Identifiers: ClinVar variation 791332 (VCV000791332.18), dbSNP rs144989372, ClinGen allele CA7131415.

ClinVar aggregate classification (germline): Benign/Likely benign. Review status: criteria provided, multiple submitters, no conflicts (2 of 4 stars). 5 submissions from 5 submitters: Benign (1); Likely benign (3). 1 of the submissions does not count toward it. Last evaluated 2026-02-02.

Conditions:
Autosomal recessive congenital ichthyosis 1 (LI1). Also called: ICHTHYOSIS, CONGENITAL, AUTOSOMAL RECESSIVE 1, WITH BATHING SUIT DISTRIBUTION; ICHTHYOSIS, CONGENITAL, AUTOSOMAL RECESSIVE 1, WITH OR WITHOUT BATHING SUIT DISTRIBUTION; ICHTHYOSIS CONGENITA; ICHTHYOSIS CONGENITA II; LAMELLAR EXFOLIATION OF NEWBORN; COLLODION FETUS. Identifiers: MedGen C4551630, MONDO:0009441, OMIM 242300.

Allele frequency attached by ClinVar (database versions not stated): gnomAD exomes 0.00056; ExAC 0.00073; 1000 Genomes Project 0.00200; 1000 Genomes Project 30x 0.00203; gnomAD 0.00222 and 0.00239; TOPMed 0.00244; ESP Exome Variant Server 0.00323.
gnomAD v4.1: 694 of 1,614,146 alleles (0.043%); highest among the groups gnomAD compares: African/African-American, 0.75%; 3 homozygotes.

Submissions (5):

Labcorp Genetics (formerly Invitae), Labcorp
Classification: Benign. Last evaluated: 2026-02-02. Review status: criteria provided, single submitter. Criteria: Invitae Variant Classification Sherloc (09022015). Collection method: clinical testing. Allele origin: germline.

Blueprint Genetics
Classification: Likely benign. Last evaluated: 2024-06-24. Review status: criteria provided, single submitter. Criteria: ACMG Guidelines, 2015. Collection method: clinical testing. Allele origin: germline.

Illumina Laboratory Services, Illumina
Classification: Likely benign for Autosomal recessive congenital ichthyosis 1. Last evaluated: 2018-01-12. Review status: criteria provided, single submitter. Criteria: ICSL Variant Classification Criteria 13 December 2019. Collection method: clinical testing. Allele origin: germline.
Comment: This variant was observed in the ICSL laboratory as part of a predisposition screen in an ostensibly healthy population. It had not been previously curated by ICSL or reported in the Human Gene Mutation Database (HGMD: prior to June 1st, 2018), and was therefore a candidate for classification through an automated scoring system. Utilizing variant allele frequency, disease prevalence and penetrance estimates, and inheritance mode, an automated score was calculated to assess if this variant is too frequent to cause the disease. Based on the score and internal cut-off values, a variant classified as likely benign is not then subjected to further curation. The score for this variant resulted in a classification of likely benign for this disease.

Genome-Nilou Lab
Classification: Likely benign for Autosomal recessive congenital ichthyosis 1. Review status: criteria provided, single submitter. Criteria: ACMG Guidelines, 2015. Collection method: clinical testing. Allele origin: germline.

Natera, Inc.
Classification: Benign for Autosomal recessive congenital ichthyosis type 1. Last evaluated: 2020-09-16. Review status: no assertion criteria provided. Collection method: clinical testing. Allele origin: germline. Not counted in ClinVar's aggregate classification.